The following is an entry in ClinVar:

ClinVar aggregate classification (germline): Uncertain significance (1 of 4 stars; one submission).

Conditions:
Joubert syndrome 21 (JBTS21). Identifiers: MedGen C3810212, MONDO:0014288, OMIM 615636.

Submission:

Labcorp Genetics (formerly Invitae), Labcorp
Classification: Uncertain significance for Joubert syndrome 21. Last evaluated: 2019-11-13. Review status: criteria provided, single submitter. Criteria: Invitae Variant Classification Sherloc (09022015). Collection method: clinical testing. Allele origin: germline.
Comment: In summary, the available evidence is currently insufficient to determine the role of this variant in disease. Therefore, it has been classified as a Variant of Uncertain Significance. Algorithms developed to predict the effect of missense changes on protein structure and function are either unavailable or do not agree on the potential impact of this missense change (SIFT: "Deleterious"; PolyPhen-2: "Possibly Damaging"; Align-GVGD: "Class C0"). This variant has not been reported in the literature in individuals with CSPP1-related conditions. This variant is not present in population databases (ExAC no frequency). This sequence change replaces lysine with glutamine at codon 56 of the CSPP1 protein (p.Lys56Gln). The lysine residue is highly conserved and there is a small physicochemical difference between lysine and glutamine.

NM_001382391.1(CSPP1):c.58A>C (p.Lys20Gln)

Gene: CSPP1 (centrosome and spindle pole associated protein 1; plus strand). Cytogenetic location: 8q13.1.
Variant type: single nucleotide variant.
Coding change: c.58A>C on transcript NM_001382391.1 (MANE Select); coding-DNA position 58, A replaced by C.
Protein change: p.Lys20Gln; replaces lysine 20 with glutamine.
Molecular consequence: missense variant.
Genome position (GRCh38, 1-based): chr8:67,074,310, A>C. VCF-style: chr8-67074310-A-C. GRCh37 (hg19) VCF-style: chr8-67986545-A-C.
Other names: c.58A>C, p.Lys20Gln (NM_001363131.2, NM_001363132.2, NM_001363133.2); c.166A>C, p.Lys56Gln (NM_001364869.1, NM_001364870.1, NM_024790.7); short protein forms K20Q, K56Q.
Identifiers: ClinVar variation 961060 (VCV000961060.9), dbSNP rs1807446261, ClinGen allele CA371211328.